The following is an entry in ClinVar:

NM_006031.6(PCNT):c.5340C>T (p.Ala1780=)

Gene: PCNT (pericentrin; plus strand). Cytogenetic location: 21q22.3.
Variant type: single nucleotide variant.
Coding change: c.5340C>T on transcript NM_006031.6 (MANE Select); coding-DNA position 5340, C replaced by T.
Protein change: p.Ala1780=; no amino-acid change (alanine 1780 retained).
Molecular consequence: synonymous variant.
Genome position (GRCh38, 1-based): chr21:46,411,413, C>T. VCF-style: chr21-46411413-C-T. GRCh37 (hg19) VCF-style: chr21-47831327-C-T.
Other names: c.4986C>T, p.Ala1662= (NM_001315529.2); c.5340C>T (NM_006031.5).
Identifiers: ClinVar variation 2997375 (VCV002997375.5), dbSNP rs367986616, ClinGen allele CA10079952.

ClinVar aggregate classification (germline): Likely benign. Review status: criteria provided, multiple submitters, no conflicts (2 of 4 stars). 3 submissions from 3 submitters: Likely benign (3). Last evaluated 2026-07-01.

Conditions:
PCNT-related disorder. Also called: PCNT-related condition.

Allele frequency attached by ClinVar (database versions not stated): gnomAD 0.00001; ESP Exome Variant Server 0.00008.

Submissions (3):

CeGaT Center for Human Genetics Tuebingen
Classification: Likely benign. Last evaluated: 2026-07-01. Review status: criteria provided, single submitter. Criteria: CeGaT Center For Human Genetics Tuebingen Variant Classification Criteria Version 2. Collection method: clinical testing. Allele origin: germline. Affected: yes. Observed: 1 variant allele.
Comment: PCNT: BP4, BP7

PreventionGenetics, part of Exact Sciences
Classification: Likely benign for PCNT-related condition. Last evaluated: 2025-12-08. Review status: criteria provided, single submitter. Criteria: ACMG Guidelines, 2015. Collection method: clinical testing. Allele origin: germline.
Comment: This variant is classified as likely benign based on ACMG/AMP sequence variant interpretation guidelines (Richards et al. 2015 PMID: 25741868, with internal and published modifications).

Labcorp Genetics (formerly Invitae), Labcorp
Classification: Likely benign. Last evaluated: 2024-02-19. Review status: criteria provided, single submitter. Criteria: Invitae Variant Classification Sherloc (09022015). Collection method: clinical testing. Allele origin: germline.